The following is an entry in ClinVar:

ClinVar aggregate classification (germline): Likely benign (0 of 4 stars; one submission).

Conditions:
AKR1C2-related disorder. Also called: AKR1C2-related condition.

Allele frequency attached by ClinVar (database versions not stated): ExAC 0.00015; 1000 Genomes Project 30x 0.00031; 1000 Genomes Project 0.00040.

Submission:

PreventionGenetics, part of Exact Sciences
Classification: Likely benign for AKR1C2-related condition. Last evaluated: 2019-04-01. Review status: no assertion criteria provided. Collection method: clinical testing. Allele origin: germline.
Comment: This variant is classified as likely benign based on ACMG/AMP sequence variant interpretation guidelines (Richards et al. 2015 PMID: 25741868, with internal and published modifications).

NM_001393392.1(AKR1C2):c.384G>T (p.Val128=)

Gene: AKR1C2 (aldo-keto reductase family 1 member C2; minus strand). Cytogenetic location: 10p15.1.
Variant type: single nucleotide variant.
Coding change: c.384G>T on transcript NM_001393392.1 (MANE Select); coding-DNA position 384, G replaced by T.
Protein change: p.Val128=; no amino-acid change (valine 128 retained).
Molecular consequence: synonymous variant. On other transcripts: intron variant (1).
Genome position (GRCh38, 1-based): chr10:4,999,263, C>A on the plus strand (G>T on the coding strand, the complement: AKR1C2 is on the minus strand). VCF-style: chr10-4999263-C-A. GRCh37 (hg19) VCF-style: chr10-5041455-C-A.
Other names: c.384G>T, p.Val128= (NM_001354.6, NM_205845.3); c.370-516G>T (NM_001321027.2).
Identifiers: ClinVar variation 3033417 (VCV003033417.2), dbSNP rs556680647, ClinGen allele CA5390120.